The following is an entry in ClinVar:

NM_001267550.2(TTN):c.98221del (p.Glu32741fs)

Genes: TTN (titin; minus strand), TTN-AS1 (TTN antisense RNA 1; plus strand). Cytogenetic location: 2q31.2.
Variant type: Deletion.
Coding change: c.98221del on transcript NM_001267550.2 (MANE Select); coding-DNA position 98221, one base deleted (G; older notation c.98221delG).
Protein change: p.Glu32741fs; shifts the reading frame from glutamic acid 32741.
Molecular consequence: frameshift variant. On other transcripts: non-coding transcript variant (1).
Genome position (GRCh38, 1-based): chr2:178,539,844, C deleted on the plus strand (G on the coding strand, the reverse complement: TTN is on the minus strand); the first of 2 consecutive C bases (chr2:178,539,844-178,539,845); deleting either gives the same sequence. VCF-style (leftmost placement, unchanged base first): chr2-178539843-TC-T. GRCh37 (hg19) VCF-style: chr2-179404570-TC-T.
Other names: c.93298del, p.Glu31100fs (NM_001256850.1); c.71026del, p.Glu23676fs (NM_003319.4); c.90517del, p.Glu30173fs (NM_133378.4); c.71401del, p.Glu23801fs (NM_133432.3); c.71602del, p.Glu23868fs (NM_133437.4); short protein forms E23676fs, E23801fs, E23868fs, E30173fs, E31100fs, E32741fs.
Identifiers: ClinVar variation 3756115 (VCV003756115.2).

ClinVar aggregate classification (germline): Likely pathogenic (1 of 4 stars; one submission).

Conditions:
Dilated cardiomyopathy 1G (CMD1G). Identifiers: Orphanet 154, MedGen C1858763, MONDO:0011400, OMIM 604145.
Autosomal recessive limb-girdle muscular dystrophy type 2J (LGMDR10). Also called: Limb-girdle muscular dystrophy, type 2J; MUSCULAR DYSTROPHY, LIMB-GIRDLE, AUTOSOMAL RECESSIVE 10. Identifiers: Orphanet 140922, MedGen C1837342, MONDO:0012127, OMIM 608807.

Submission:

Labcorp Genetics (formerly Invitae), Labcorp
Classification: Likely pathogenic for Dilated cardiomyopathy 1G; Autosomal recessive limb-girdle muscular dystrophy type 2J. Last evaluated: 2024-04-30. Review status: criteria provided, single submitter. Criteria: Invitae Variant Classification Sherloc (09022015). Collection method: clinical testing. Allele origin: germline.
Comment: This sequence change creates a premature translational stop signal (p.Glu32741Lysfs*10) in the TTN gene. While this is not anticipated to result in nonsense mediated decay, it is expected to create a truncated TTN protein. This variant is not present in population databases (gnomAD no frequency). This variant has not been reported in the literature in individuals affected with TTN-related conditions. This variant is located in the A band of TTN (PMID: 25589632). Truncating variants in this region are significantly overrepresented in patients affected with dilated cardiomyopathy (PMID: 25589632). Truncating variants in this region have also been reported in individuals affected with autosomal recessive centronuclear myopathy (PMID: 23975875). In summary, the currently available evidence indicates that the variant is pathogenic, but additional data are needed to prove that conclusively. Therefore, this variant has been classified as Likely Pathogenic.

Literature cited by the submitters: PubMed 25589632; PubMed 23975875.